The following is an entry in ClinVar:

NM_032119.4(ADGRV1):c.9803C>A (p.Ser3268Tyr)

Gene: ADGRV1 (adhesion G protein-coupled receptor V1; plus strand). Cytogenetic location: 5q14.3.
Variant type: single nucleotide variant.
Coding change: c.9803C>A on transcript NM_032119.4 (MANE Select); coding-DNA position 9803, C replaced by A.
Protein change: p.Ser3268Tyr; replaces serine 3268 with tyrosine.
Molecular consequence: missense variant. On other transcripts: non-coding transcript variant (1).
Genome position (GRCh38, 1-based): chr5:90,724,886, C>A. VCF-style: chr5-90724886-C-A. GRCh37 (hg19) VCF-style: chr5-90020703-C-A.
Other names: short protein forms S3268Y.
Identifiers: ClinVar variation 1968321 (VCV001968321.5), dbSNP rs1561602725, ClinGen allele CA360402566.

ClinVar aggregate classification (germline): Uncertain significance (1 of 4 stars; one submission).

Submission:

Labcorp Genetics (formerly Invitae), Labcorp
Classification: Uncertain significance. Last evaluated: 2022-06-04. Review status: criteria provided, single submitter. Criteria: Invitae Variant Classification Sherloc (09022015). Collection method: clinical testing. Allele origin: germline.
Comment: This sequence change replaces serine, which is neutral and polar, with tyrosine, which is neutral and polar, at codon 3268 of the ADGRV1 protein (p.Ser3268Tyr). This variant is not present in population databases (gnomAD no frequency). This variant has not been reported in the literature in individuals affected with ADGRV1-related conditions. Algorithms developed to predict the effect of missense changes on protein structure and function are either unavailable or do not agree on the potential impact of this missense change (SIFT: "Tolerated"; PolyPhen-2: "Possibly Damaging"; Align-GVGD: "Class C0"). In summary, the available evidence is currently insufficient to determine the role of this variant in disease. Therefore, it has been classified as a Variant of Uncertain Significance.